The following is an entry in ClinVar:

ClinVar aggregate classification (germline): Uncertain significance. Review status: criteria provided, multiple submitters, no conflicts (2 of 4 stars). 2 submissions from 2 submitters: Uncertain significance (2). Last evaluated 2025-03-09.

Conditions:
Hereditary cancer-predisposing syndrome. Also called: Tumor predisposition; Neoplastic Syndromes, Hereditary; Hereditary Cancer Syndrome; Hereditary neoplastic syndrome. Identifiers: Orphanet 140162, MedGen C0027672, MeSH D009386, MONDO:0015356.
Multiple endocrine neoplasia, type 1 (MEN1). Also called: MEN I; WERMER SYNDROME; Endocrine adenomatosis multiple; MEN 1; MEA I. Identifiers: Orphanet 652, MedGen C0025267, MeSH D018761, MONDO:0007540, OMIM 131100.

gnomAD v4.1: 1 of 1,611,456 alleles (0.000062%); no homozygotes.

Submissions (2):

Labcorp Genetics (formerly Invitae), Labcorp
Classification: Uncertain significance for Multiple endocrine neoplasia, type 1. Last evaluated: 2025-03-09. Review status: criteria provided, single submitter. Criteria: Invitae Variant Classification Sherloc (09022015). Collection method: clinical testing. Allele origin: germline.
Comment: This sequence change replaces glycine, which is neutral and non-polar, with aspartic acid, which is acidic and polar, at codon 524 of the MEN1 protein (p.Gly524Asp). This variant is not present in population databases (gnomAD no frequency). This variant has not been reported in the literature in individuals affected with MEN1-related conditions. ClinVar contains an entry for this variant (Variation ID: 1775516). Invitae Evidence Modeling of protein sequence and biophysical properties (such as structural, functional, and spatial information, amino acid conservation, physicochemical variation, residue mobility, and thermodynamic stability) indicates that this missense variant is not expected to disrupt MEN1 protein function with a negative predictive value of 95%. In summary, the available evidence is currently insufficient to determine the role of this variant in disease. Therefore, it has been classified as a Variant of Uncertain Significance.

Ambry Genetics
Classification: Uncertain significance for Hereditary cancer-predisposing syndrome. Last evaluated: 2024-11-07. Review status: criteria provided, single submitter. Criteria: Ambry Variant Classification Scheme 2023. Collection method: clinical testing. Allele origin: germline.
Comment: The p.G524D variant (also known as c.1571G>A), located in coding exon 9 of the MEN1 gene, results from a G to A substitution at nucleotide position 1571. The glycine at codon 524 is replaced by aspartic acid, an amino acid with similar properties. This amino acid position is not well conserved in available vertebrate species. In addition, the in silico prediction for this alteration is inconclusive. Based on the available evidence, the clinical significance of this variant remains unclear.

NM_001370259.2(MEN1):c.1571G>A (p.Gly524Asp)

Gene: MEN1 (menin 1; minus strand). Cytogenetic location: 11q13.1.
Variant type: single nucleotide variant.
Coding change: c.1571G>A on transcript NM_001370259.2 (MANE Select); coding-DNA position 1571, G replaced by A.
Protein change: p.Gly524Asp; replaces glycine 524 with aspartic acid.
Molecular consequence: missense variant.
Genome position (GRCh38, 1-based): chr11:64,804,596, C>T on the plus strand (G>A on the coding strand, the complement: MEN1 is on the minus strand). VCF-style: chr11-64804596-C-T. GRCh37 (hg19) VCF-style: chr11-64572068-C-T.
Other names: c.1586G>A, p.Gly529Asp (NM_000244.4, NM_001407145.1, NM_130800.3 and 4 more transcripts); c.1697G>A, p.Gly566Asp (NM_001370251.2, NM_001407142.1, NM_001407143.1 and 1 more transcripts); c.1571G>A, p.Gly524Asp (NM_001370260.2, NM_001370261.2, NM_001407146.1 and 2 more transcripts); c.1466G>A, p.Gly489Asp (NM_001370262.2, NM_001370263.2, NM_001407148.1 and 1 more transcripts); c.1712G>A, p.Gly571Asp (NM_001407150.1); c.1592G>A, p.Gly531Asp (NM_001407151.1); c.1406G>A, p.Gly469Asp (NM_001407152.1); short protein forms G469D, G489D, G571D, G529D, G524D, G531D, G566D.
Identifiers: ClinVar variation 1775516 (VCV001775516.5), dbSNP rs2136084431, ClinGen allele CA381178427.